The following is an entry in ClinVar:

ClinVar aggregate classification (germline): Uncertain significance (1 of 4 stars; one submission).

Submission:

Labcorp Genetics (formerly Invitae), Labcorp
Classification: Uncertain significance. Last evaluated: 2024-02-22. Review status: criteria provided, single submitter. Criteria: Invitae Variant Classification Sherloc (09022015). Collection method: clinical testing. Allele origin: germline.
Comment: This sequence change replaces aspartic acid, which is acidic and polar, with glycine, which is neutral and non-polar, at codon 569 of the BACH2 protein (p.Asp569Gly). This variant is not present in population databases (gnomAD no frequency). This variant has not been reported in the literature in individuals affected with BACH2-related conditions. Advanced modeling of protein sequence and biophysical properties (such as structural, functional, and spatial information, amino acid conservation, physicochemical variation, residue mobility, and thermodynamic stability) performed at Invitae indicates that this missense variant is not expected to disrupt BACH2 protein function with a negative predictive value of 80%. In summary, the available evidence is currently insufficient to determine the role of this variant in disease. Therefore, it has been classified as a Variant of Uncertain Significance.

NM_021813.4(BACH2):c.1706A>G (p.Asp569Gly)

Gene: BACH2 (BACH transcriptional regulator 2; minus strand). Cytogenetic location: 6q15.
Variant type: single nucleotide variant.
Coding change: c.1706A>G on transcript NM_021813.4 (MANE Select); coding-DNA position 1706, A replaced by G.
Protein change: p.Asp569Gly; replaces aspartic acid 569 with glycine.
Molecular consequence: missense variant.
Genome position (GRCh38, 1-based): chr6:89,950,400, T>C on the plus strand (A>G on the coding strand, the complement: BACH2 is on the minus strand). VCF-style: chr6-89950400-T-C. GRCh37 (hg19) VCF-style: chr6-90660119-T-C.
Other names: c.1706A>G, p.Asp569Gly (NM_001170794.2); short protein forms D569G.
Identifiers: ClinVar variation 3667611 (VCV003667611.2).